The following is an entry in ClinVar:

ClinVar aggregate classification (germline): Uncertain significance (1 of 4 stars; one submission).

Conditions:
Inborn genetic diseases. Identifiers: MedGen C0950123, MeSH D030342.

Submission:

Ambry Genetics
Classification: Uncertain significance for Inborn genetic diseases. Last evaluated: 2025-09-12. Review status: criteria provided, single submitter. Criteria: Ambry Variant Classification Scheme 2023. Collection method: clinical testing. Allele origin: germline.
Comment: The p.L266P variant (also known as c.797T>C), located in coding exon 1 of the SAMD9 gene, results from a T to C substitution at nucleotide position 797. The leucine at codon 266 is replaced by proline, an amino acid with similar properties. This amino acid position is conserved. In addition, this alteration is predicted to be tolerated by in silico analysis. Based on the available evidence, the clinical significance of this variant remains unclear.

NM_017654.4(SAMD9):c.797T>C (p.Leu266Pro)

Gene: SAMD9 (sterile alpha motif domain containing 9; minus strand). Cytogenetic location: 7q21.2.
Variant type: single nucleotide variant.
Coding change: c.797T>C on transcript NM_017654.4 (MANE Select); coding-DNA position 797, T replaced by C.
Protein change: p.Leu266Pro; replaces leucine 266 with proline.
Molecular consequence: missense variant.
Genome position (GRCh38, 1-based): chr7:93,105,301, A>G on the plus strand (T>C on the coding strand, the complement: SAMD9 is on the minus strand). VCF-style: chr7-93105301-A-G. GRCh37 (hg19) VCF-style: chr7-92734614-A-G.
Other names: c.797T>C, p.Leu266Pro (NM_001193307.2); short protein forms L266P.
Identifiers: ClinVar variation 4159224 (VCV004159224.1).
Genomic context (GRCh38, chr7:93,105,301, plus strand): 5'-TCTCGAATGCACTTCTTTGCTTGTTGGACTTGATGGTCTTCAAAATACTTGTTTATCATC[A>G]GATTGAAATGGTTAATGAGGGCTTCCTTGGTATCATTGGTGACTTTGATGCCAACAATTT-3'
Protein context (NP_060124.2, residues 256-276): TKEALINHFN[Leu266Pro]MINKYFEDHQ